The following is an entry in ClinVar:

NM_001278293.3(ARL6):c.235C>T (p.Leu79Phe)

Gene: ARL6 (ARF like GTPase 6; plus strand). Cytogenetic location: 3q11.2.
Variant type: single nucleotide variant.
Coding change: c.235C>T on transcript NM_001278293.3 (MANE Select); coding-DNA position 235, C replaced by T.
Protein change: p.Leu79Phe; replaces leucine 79 with phenylalanine.
Molecular consequence: missense variant. On other transcripts: non-coding transcript variant (7).
Genome position (GRCh38, 1-based): chr3:97,780,664, C>T. VCF-style: chr3-97780664-C-T. GRCh37 (hg19) VCF-style: chr3-97499508-C-T.
Other names: c.235C>T, p.Leu79Phe (NM_001323513.2, NM_001323514.2, NM_032146.5 and 1 more transcripts); short protein forms L79F.
Identifiers: ClinVar variation 2125624 (VCV002125624.2), dbSNP rs774422821, ClinGen allele CA353586204.
Genomic context (GRCh38, chr3:97,780,664, plus strand): 5'-TCTTTTTGTAGTTTGTCATTTACAGTGTTTGACATGTCAGGTCAAGGAAGATACAGAAAT[C>T]TCTGGGAACACTATTATAAGTAAGTACATCTGTGAATGTTGCTTAACTAGATGGTTTTTA-3'
Protein context (NP_001265222.1, residues 69-89): DMSGQGRYRN[Leu79Phe]WEHYYKEGQA

ClinVar aggregate classification (germline): Uncertain significance. Review status: criteria provided, single submitter (1 of 4 stars). 2 submissions from 2 submitters: Uncertain significance (1). 1 of the submissions does not count toward it. Last evaluated 2022-04-19.

Conditions:
ARL6-related disorder. Also called: ARL6-related condition.
Bardet-Biedl syndrome 3 (BBS3). Identifiers: Orphanet 110, MedGen C1859564, MONDO:0010832, OMIM 600151.
Retinitis pigmentosa 55 (RP55). Identifiers: Orphanet 791, MedGen C3150808, MONDO:0013312, OMIM 613575.

Submissions (2):

Labcorp Genetics (formerly Invitae), Labcorp
Classification: Uncertain significance for Retinitis pigmentosa 55; Bardet-Biedl syndrome 3. Last evaluated: 2022-04-19. Review status: criteria provided, single submitter. Criteria: Invitae Variant Classification Sherloc (09022015). Collection method: clinical testing. Allele origin: germline.
Comment: This sequence change replaces leucine, which is neutral and non-polar, with phenylalanine, which is neutral and non-polar, at codon 79 of the ARL6 protein (p.Leu79Phe). This variant is not present in population databases (gnomAD no frequency). This variant has not been reported in the literature in individuals affected with ARL6-related conditions. Algorithms developed to predict the effect of missense changes on protein structure and function are either unavailable or do not agree on the potential impact of this missense change (SIFT: "Tolerated"; PolyPhen-2: "Probably Damaging"; Align-GVGD: "Class C0"). In summary, the available evidence is currently insufficient to determine the role of this variant in disease. Therefore, it has been classified as a Variant of Uncertain Significance.

PreventionGenetics, part of Exact Sciences
Classification: Uncertain significance for ARL6-related condition. Last evaluated: 2024-04-03. Review status: no assertion criteria provided. Collection method: clinical testing. Allele origin: germline. Not counted in ClinVar's aggregate classification.
Comment: The ARL6 c.235C>T variant is predicted to result in the amino acid substitution p.Leu79Phe. To our knowledge, this variant has not been reported in the literature or in a large population database, indicating this variant is rare. At this time, the clinical significance of this variant is uncertain due to the absence of conclusive functional and genetic evidence.